The following is an entry in ClinVar:

NM_001077268.2(ZFYVE19):c.514C>T (p.Arg172Ter)

Gene: ZFYVE19 (zinc finger FYVE-type containing 19; plus strand). Cytogenetic location: 15q15.1.
Variant type: single nucleotide variant.
Coding change: c.514C>T on transcript NM_001077268.2 (MANE Select); coding-DNA position 514, C replaced by T.
Protein change: p.Arg172Ter; replaces arginine 172 with a stop codon.
Molecular consequence: nonsense. On other transcripts: 5 prime UTR variant (1).
Genome position (GRCh38, 1-based): chr15:40,809,913, C>T. VCF-style: chr15-40809913-C-T. GRCh37 (hg19) VCF-style: chr15-41102111-C-T.
Other names: ZFYVE19, ARG172TER (rs769683740); R172*; c.514C>T, p.Arg172Ter (NM_001258420.2); c.-12C>T (NM_001258421.2); c.484C>T, p.Arg162Ter (NM_032850.5); short protein forms R162*.
Identifiers: ClinVar variation 1686834 (VCV001686834.2), dbSNP rs753989803, ClinGen allele CA7485641.
Genomic context (GRCh38, chr15:40,809,913, plus strand): 5'-CGTGTGGCAGCCTTGGAAGCCAAGCAAAAGCCCAGCACTTCCCAGAGCCAGGGACTGACA[C>T]GACAAGACCAGATGATTGCTGAGCGCCTAGCACGACTCCGCCAGGAGAACAAGCCCAGTG-3'

ClinVar aggregate classification (germline): Pathogenic. Review status: criteria provided, single submitter (1 of 4 stars). 2 submissions from 2 submitters: Pathogenic (1). 1 of the submissions does not count toward it. Last evaluated 2025-11-18.

Conditions:
Cholestasis, progressive familial intrahepatic, 9 (PFIC9). Identifiers: MedGen C5676973, MONDO:0030800, OMIM 619849.

Allele frequency attached by ClinVar (database versions not stated): gnomAD 0.00001; ExAC 0.00001; gnomAD exomes 0.00001; TOPMed 0.00002.
gnomAD v4.1: 17 of 1,614,086 alleles (0.0011%); highest among the groups gnomAD compares: East Asian, 0.0067%; no homozygotes.

Submissions (2):

3billion
Classification: Pathogenic for Cholestasis, progressive familial intrahepatic, 9. Last evaluated: 2025-11-18. Review status: criteria provided, single submitter. Criteria: ACMG Guidelines, 2015. Collection method: clinical testing. Allele origin: germline. Affected: yes.
Comment: The variant is observed at an extremely low frequency in the gnomAD v4.1.0 dataset (total allele frequency: 0.001%). Predicted Consequence/Location: Stop-gained (nonsense): predicted to result in a loss or disruption of normal protein function through nonsense-mediated decay (NMD) or protein truncation. Multiple pathogenic variants are reported downstream of the variant. In silico tools predict the variant to alter splicing and produce an abnormal transcript [SpliceAI: 0.22 (spliceogenicity >=0.2, non-spliceogenicity <0.1)]. The variant has been reported to be associated with ZFYVE19-related disorder (ClinVar ID: VCV001686834 /PMID: 32737136). Therefore, this variant is classified as Pathogenic according to the recommendation of ACMG/AMP guideline.

OMIM
Classification: Pathogenic for CHOLESTASIS, PROGRESSIVE FAMILIAL INTRAHEPATIC, 9. Last evaluated: 2022-04-27. Review status: no assertion criteria provided. Collection method: literature only. Allele origin: germline. Not counted in ClinVar's aggregate classification.

Literature cited by the submitters: PubMed 32737136 (cited by 3billion and OMIM).